The following is an entry in ClinVar:

NM_004991.4(MECOM):c.3709A>G (p.Ser1237Gly)

Gene: MECOM (MDS1 and EVI1 complex locus; minus strand). Cytogenetic location: 3q26.2.
Variant type: single nucleotide variant.
Coding change: c.3709A>G on transcript NM_004991.4 (MANE Select); coding-DNA position 3709, A replaced by G.
Protein change: p.Ser1237Gly; replaces serine 1237 with glycine.
Molecular consequence: missense variant.
Genome position (GRCh38, 1-based): chr3:169,084,920, T>C on the plus strand (A>G on the coding strand, the complement: MECOM is on the minus strand). VCF-style: chr3-169084920-T-C. GRCh37 (hg19) VCF-style: chr3-168802708-T-C.
Other names: c.3340A>G, p.Ser1114Gly (NM_001105077.4); c.3145A>G, p.Ser1049Gly (NM_001105078.4, NM_001205194.2, NM_001366469.2 and 1 more transcripts); c.3121A>G, p.Ser1041Gly (NM_001163999.2, NM_001366470.2); c.3118A>G, p.Ser1040Gly (NM_001164000.2, NM_001366471.2, NM_001366472.2); c.3682A>G, p.Ser1228Gly (NM_001366466.2); c.3148A>G, p.Ser1050Gly (NM_001366467.2, NM_001366468.2); c.2710A>G, p.Ser904Gly (NM_001366473.2); c.2146A>G, p.Ser716Gly (NM_001366474.2); short protein forms S1114G, S1237G, S904G, S1040G, S1228G, S1049G, S1041G, S1050G.
Identifiers: ClinVar variation 4053187 (VCV004053187.1).
Genomic context (GRCh38, chr3:169,084,920, plus strand): 5'-AGCCATGCTACTGTTGGACTTGGTCCCACTCTGGTCAACCTTGATAACGTCATACGTGGC[T>C]TATGGACTGGATAGCACTGGATTCCGCCGCAGCCCTGGCCATACTGTGCCACACGTTGGA-3'
Protein context (NP_004982.2, residues 1227-1239): AAESSAIQSI[Ser1237Gly]HV

ClinVar aggregate classification (germline): Uncertain significance (1 of 4 stars; one submission).

Conditions:
Inborn genetic diseases. Identifiers: MedGen C0950123, MeSH D030342.

Submission:

Ambry Genetics
Classification: Uncertain significance for Inborn genetic diseases. Last evaluated: 2025-04-14. Review status: criteria provided, single submitter. Criteria: Ambry Variant Classification Scheme 2023. Collection method: clinical testing. Allele origin: germline.
Comment: The p.S1237G variant (also known as c.3709A>G), located in coding exon 17 of the MECOM gene, results from an A to G substitution at nucleotide position 3709. The serine at codon 1237 is replaced by glycine, an amino acid with similar properties. This amino acid position is conserved. In addition, this alteration is predicted to be tolerated by in silico analysis. Based on the available evidence, the clinical significance of this variant remains unclear.